The following is an entry in ClinVar:

NM_000199.5(SGSH):c.878C>G (p.Pro293Arg)

Gene: SGSH (N-sulfoglucosamine sulfohydrolase; minus strand). Cytogenetic location: 17q25.3.
Variant type: single nucleotide variant.
Coding change: c.878C>G on transcript NM_000199.5 (MANE Select); coding-DNA position 878, C replaced by G.
Protein change: p.Pro293Arg; replaces proline 293 with arginine.
Molecular consequence: missense variant. On other transcripts: non-coding transcript variant (1).
Genome position (GRCh38, 1-based): chr17:80,212,142, G>C on the plus strand (C>G on the coding strand, the complement: SGSH is on the minus strand). VCF-style: chr17-80212142-G-C. GRCh37 (hg19) VCF-style: chr17-78185941-G-C.
Other names: c.878C>G, p.Pro293Arg (NM_001352921.3, NM_001352922.2); short protein forms P293R.
Identifiers: ClinVar variation 4526071 (VCV004526071.1).
Genomic context (GRCh38, chr17:80,212,142, plus strand): 5'-ACGTAGGCCTCGCTGACTTGGCCCCAGCGTTTTGGGTGCTCCGGGGATGACACCAGTAAG[G>C]GTTCAGCAGTGCCCGGCCAGTACAGGTTGGTCCTGCCGCTGGGGAAGGGGATCCCGTTGT-3'
Protein context (NP_000190.1, residues 283-303): TNLYWPGTAE[Pro293Arg]LLVSSPEHPK

ClinVar aggregate classification (germline): Uncertain significance (1 of 4 stars; one submission).

Submission:

Women's Health and Genetics/Laboratory Corporation of America, LabCorp
Classification: Uncertain significance. Last evaluated: 2025-07-08. Review status: criteria provided, single submitter. Criteria: LabCorp Variant Classification Summary - May 2015. Collection method: clinical testing. Allele origin: germline.
Comment: Variant summary: SGSH c.878C>G (p.Pro293Arg) results in a non-conservative amino acid change in the encoded protein sequence. Algorithms developed to predict the effect of missense changes on protein structure and function all suggest that this variant is likely to be disruptive. The variant was absent in 250522 control chromosomes. The available data on variant occurrences in the general population are insufficient to allow any conclusion about variant significance. To our knowledge, no occurrence of c.878C>G in individuals affected with Mucopolysaccharidosis, MPS-III-A and no experimental evidence demonstrating its impact on protein function have been reported. No submitters have cited clinical-significance assessments for this variant to ClinVar. Based on the evidence outlined above, the variant was classified as uncertain significance.